The following is an entry in ClinVar:

NM_003906.5(MCM3AP):c.3535C>T (p.Arg1179Cys)

Gene: MCM3AP (minichromosome maintenance complex component 3 associated protein; minus strand). Cytogenetic location: 21q22.3.
Variant type: single nucleotide variant.
Coding change: c.3535C>T on transcript NM_003906.5 (MANE Select); coding-DNA position 3535, C replaced by T.
Protein change: p.Arg1179Cys; replaces arginine 1179 with cysteine.
Molecular consequence: missense variant.
Genome position (GRCh38, 1-based): chr21:46,260,839, G>A on the plus strand (C>T on the coding strand, the complement: MCM3AP is on the minus strand). VCF-style: chr21-46260839-G-A. GRCh37 (hg19) VCF-style: chr21-47680753-G-A.
Other names: c.3535C>T (NM_003906.3); short protein forms R1179C.
Identifiers: ClinVar variation 1366113 (VCV001366113.8), dbSNP rs375263557, ClinGen allele CA10076468.

ClinVar aggregate classification (germline): Uncertain significance. Review status: criteria provided, multiple submitters, no conflicts (2 of 4 stars). 2 submissions from 2 submitters: Uncertain significance (2). Last evaluated 2025-10-14.

Conditions:
Inborn genetic diseases. Identifiers: MedGen C0950123, MeSH D030342.

Allele frequency attached by ClinVar (database versions not stated): ESP Exome Variant Server 0.00008; TOPMed 0.00004; gnomAD 0.00007 and 0.00006; ExAC 0.00010; gnomAD exomes 0.00006.
gnomAD v4.1: 83 of 1,613,960 alleles (0.0051%); highest among the groups gnomAD compares: East Asian, 0.025%; no homozygotes.

Submissions (2):

Ambry Genetics
Classification: Uncertain significance for Inborn genetic diseases. Last evaluated: 2025-10-14. Review status: criteria provided, single submitter. Criteria: Ambry Variant Classification Scheme 2023. Collection method: clinical testing. Allele origin: germline.

Labcorp Genetics (formerly Invitae), Labcorp
Classification: Uncertain significance. Last evaluated: 2022-06-13. Review status: criteria provided, single submitter. Criteria: Invitae Variant Classification Sherloc (09022015). Collection method: clinical testing. Allele origin: germline.
Comment: This sequence change replaces arginine, which is basic and polar, with cysteine, which is neutral and slightly polar, at codon 1179 of the MCM3AP protein (p.Arg1179Cys). This variant is present in population databases (rs375263557, gnomAD 0.06%). This variant has not been reported in the literature in individuals affected with MCM3AP-related conditions. Algorithms developed to predict the effect of missense changes on protein structure and function (SIFT, PolyPhen-2, Align-GVGD) all suggest that this variant is likely to be tolerated. In summary, the available evidence is currently insufficient to determine the role of this variant in disease. Therefore, it has been classified as a Variant of Uncertain Significance.